The following is an entry in ClinVar:

ClinVar aggregate classification (germline): Uncertain significance (1 of 4 stars; one submission).

Conditions:
Perlman syndrome (PRLMNS). Identifiers: Orphanet 2849, MedGen C0796113, MONDO:0009965, OMIM 267000.

Submission:

Labcorp Genetics (formerly Invitae), Labcorp
Classification: Uncertain significance for Perlman syndrome. Last evaluated: 2022-10-30. Review status: criteria provided, single submitter. Criteria: Invitae Variant Classification Sherloc (09022015). Collection method: clinical testing. Allele origin: germline.
Comment: In summary, the available evidence is currently insufficient to determine the role of this variant in disease. Therefore, it has been classified as a Variant of Uncertain Significance. Advanced modeling of protein sequence and biophysical properties (such as structural, functional, and spatial information, amino acid conservation, physicochemical variation, residue mobility, and thermodynamic stability) has been performed at Invitae for this missense variant, however the output from this modeling did not meet the statistical confidence thresholds required to predict the impact of this variant on DIS3L2 protein function. ClinVar contains an entry for this variant (Variation ID: 944801). This variant has not been reported in the literature in individuals affected with DIS3L2-related conditions. This variant is not present in population databases (gnomAD no frequency). This sequence change replaces arginine, which is basic and polar, with threonine, which is neutral and polar, at codon 104 of the DIS3L2 protein (p.Arg104Thr).

NM_152383.5(DIS3L2):c.311G>C (p.Arg104Thr)

Gene: DIS3L2 (DIS3 like 3'-5' exoribonuclease 2; plus strand). Cytogenetic location: 2q37.1.
Variant type: single nucleotide variant.
Coding change: c.311G>C on transcript NM_152383.5 (MANE Select); coding-DNA position 311, G replaced by C.
Protein change: p.Arg104Thr; replaces arginine 104 with threonine.
Molecular consequence: missense variant. On other transcripts: non-coding transcript variant (2).
Genome position (GRCh38, 1-based): chr2:232,030,025, G>C. VCF-style: chr2-232030025-G-C. GRCh37 (hg19) VCF-style: chr2-232894735-G-C.
Other names: c.311G>C, p.Arg104Thr (NM_001257281.2, NM_001257282.2); short protein forms R104T.
Identifiers: ClinVar variation 944801 (VCV000944801.9), dbSNP rs1260084021, ClinGen allele CA351152939.